The following is an entry in ClinVar:

ClinVar aggregate classification (germline): Conflicting classifications of pathogenicity. Review status: criteria provided, conflicting classifications (1 of 4 stars). 3 submissions from 3 submitters: Uncertain significance (2); Likely benign (1). Last evaluated 2022-09-01.

Conditions:
Hereditary nonpolyposis colorectal neoplasms. Identifiers: MedGen C0009405, MeSH D003123.
Hereditary cancer-predisposing syndrome. Also called: Neoplastic Syndromes, Hereditary; Hereditary Cancer Syndrome; Tumor predisposition; Hereditary neoplastic syndrome. Identifiers: Orphanet 140162, MedGen C0027672, MeSH D009386, MONDO:0015356.

Submissions (3):

Labcorp Genetics (formerly Invitae), Labcorp
Classification: Uncertain significance for Hereditary nonpolyposis colorectal neoplasms. Last evaluated: 2022-09-01. Review status: criteria provided, single submitter. Criteria: Invitae Variant Classification Sherloc (09022015). Collection method: clinical testing. Allele origin: germline.
Comment: Advanced modeling of protein sequence and biophysical properties (such as structural, functional, and spatial information, amino acid conservation, physicochemical variation, residue mobility, and thermodynamic stability) performed at Invitae indicates that this missense variant is not expected to disrupt PMS2 protein function. In summary, the available evidence is currently insufficient to determine the role of this variant in disease. Therefore, it has been classified as a Variant of Uncertain Significance. ClinVar contains an entry for this variant (Variation ID: 572326). This sequence change replaces isoleucine, which is neutral and non-polar, with leucine, which is neutral and non-polar, at codon 695 of the PMS2 protein (p.Ile695Leu). The frequency data for this variant in the population databases (gnomAD) is considered unreliable due to the presence of homologous sequence, such as pseudogenes or paralogs, in the genome. This variant has not been reported in the literature in individuals affected with PMS2-related conditions.

Ambry Genetics
Classification: Likely benign for Hereditary cancer-predisposing syndrome. Last evaluated: 2022-04-19. Review status: criteria provided, single submitter. Criteria: Ambry Variant Classification Scheme 2023. Collection method: clinical testing. Allele origin: germline.

Color Diagnostics, LLC DBA Color Health
Classification: Uncertain significance for Hereditary cancer-predisposing syndrome. Last evaluated: 2022-03-01. Review status: criteria provided, single submitter. Criteria: ACMG Guidelines, 2015. Collection method: clinical testing. Allele origin: germline.
Comment: This missense variant replaces isoleucine with leucine at codon 695 of the PMS2 protein. Computational prediction suggests that this variant may not impact protein structure and function (internally defined REVEL score threshold <= 0.5, PMID: 27666373). To our knowledge, functional studies have not been reported for this variant. This variant has not been reported in individuals affected with hereditary cancer in the literature. This variant has not been identified in the general population by the Genome Aggregation Database (gnomAD). The available evidence is insufficient to determine the role of this variant in disease conclusively. Therefore, this variant is classified as a Variant of Uncertain Significance.

NM_000535.7(PMS2):c.2083A>C (p.Ile695Leu)

Gene: PMS2 (PMS1 homolog 2, mismatch repair system component; minus strand). Cytogenetic location: 7p22.1.
Variant type: single nucleotide variant.
Coding change: c.2083A>C on transcript NM_000535.7 (MANE Select); coding-DNA position 2083, A replaced by C.
Protein change: p.Ile695Leu; replaces isoleucine 695 with leucine.
Molecular consequence: missense variant. On other transcripts: non-coding transcript variant (1).
Genome position (GRCh38, 1-based): chr7:5,982,915, T>G on the plus strand (A>C on the coding strand, the complement: PMS2 is on the minus strand). VCF-style: chr7-5982915-T-G. GRCh37 (hg19) VCF-style: chr7-6022546-T-G.
Other names: c.1678A>C, p.Ile560Leu (NM_001322003.2, NM_001322004.2, NM_001322005.2 and 1 more transcripts); c.1927A>C, p.Ile643Leu (NM_001322006.2); c.1765A>C, p.Ile589Leu (NM_001322007.2, NM_001322008.2); c.1522A>C, p.Ile508Leu (NM_001322010.2); c.1150A>C, p.Ile384Leu (NM_001322011.2, NM_001322012.2); c.1510A>C, p.Ile504Leu (NM_001322013.2); c.2083A>C, p.Ile695Leu (NM_001322014.2); c.1774A>C, p.Ile592Leu (NM_001322015.2); short protein forms I695L, I384L, I560L, I592L, I589L, I508L, I504L, I643L.
Identifiers: ClinVar variation 572326 (VCV000572326.9), dbSNP rs1313824270, ClinGen allele CA366738035.